The following is an entry in ClinVar:

NM_001023570.4(IQCB1):c.1727T>C (p.Ile576Thr)

Gene: IQCB1 (IQ motif containing B1; minus strand). Cytogenetic location: 3q13.33.
Variant type: single nucleotide variant.
Coding change: c.1727T>C on transcript NM_001023570.4 (MANE Select); coding-DNA position 1727, T replaced by C.
Protein change: p.Ile576Thr; replaces isoleucine 576 with threonine.
Molecular consequence: missense variant. On other transcripts: non-coding transcript variant (1).
Genome position (GRCh38, 1-based): chr3:121,770,415, A>G on the plus strand (T>C on the coding strand, the complement: IQCB1 is on the minus strand). VCF-style: chr3-121770415-A-G. GRCh37 (hg19) VCF-style: chr3-121489262-A-G.
Other names: c.1328T>C, p.Ile443Thr (NM_001023571.4); c.1727T>C, p.Ile576Thr (NM_001319107.2); c.1727T>C (NM_001023570.2); short protein forms I443T, I576T.
Identifiers: ClinVar variation 1434961 (VCV001434961.5), dbSNP rs150073223, ClinGen allele CA2567032.

ClinVar aggregate classification (germline): Uncertain significance. Review status: criteria provided, multiple submitters, no conflicts (2 of 4 stars). 3 submissions from 3 submitters: Uncertain significance (3). Last evaluated 2024-11-11.

Conditions:
Nephronophthisis. Also called: Juvenile Nephronophthisis. Identifiers: Orphanet 655, MedGen C0687120, MONDO:0019005, HP:0000090.
Senior-Loken syndrome 5 (SLSN5). Identifiers: Orphanet 3156, MedGen C1836517, MONDO:0012225, OMIM 609254.

Allele frequency attached by ClinVar (database versions not stated): gnomAD exomes 0.00001; ExAC 0.00002; gnomAD 0.00007; TOPMed 0.00007; ESP Exome Variant Server 0.00008.
gnomAD v4.1: 18 of 1,614,086 alleles (0.0011%); highest among the groups gnomAD compares: African/African-American, 0.02%; no homozygotes.

Submissions (3):

GeneDx
Classification: Uncertain significance. Last evaluated: 2024-11-11. Review status: criteria provided, single submitter. Criteria: GeneDx Variant Classification Process June 2021. Collection method: clinical testing. Allele origin: germline. Affected: yes.
Comment: In silico analysis indicates that this missense variant does not alter protein structure/function; Has not been previously published as pathogenic or benign to our knowledge

Labcorp Genetics (formerly Invitae), Labcorp
Classification: Uncertain significance for Nephronophthisis. Last evaluated: 2022-07-26. Review status: criteria provided, single submitter. Criteria: Invitae Variant Classification Sherloc (09022015). Collection method: clinical testing. Allele origin: germline.
Comment: This sequence change replaces isoleucine, which is neutral and non-polar, with threonine, which is neutral and polar, at codon 576 of the IQCB1 protein (p.Ile576Thr). This variant is present in population databases (rs150073223, gnomAD 0.02%). This variant has not been reported in the literature in individuals affected with IQCB1-related conditions. ClinVar contains an entry for this variant (Variation ID: 1434961). Algorithms developed to predict the effect of missense changes on protein structure and function output the following: SIFT: "Tolerated"; PolyPhen-2: "Benign"; Align-GVGD: "Class C0". The threonine amino acid residue is found in multiple mammalian species, which suggests that this missense change does not adversely affect protein function. In summary, the available evidence is currently insufficient to determine the role of this variant in disease. Therefore, it has been classified as a Variant of Uncertain Significance.

Fulgent Genetics
Classification: Uncertain significance for Senior-Loken syndrome 5. Last evaluated: 2021-07-16. Review status: criteria provided, single submitter. Criteria: ACMG Guidelines, 2015. Collection method: clinical testing. Allele origin: unknown.